The following is an entry in ClinVar:

ClinVar aggregate classification (germline): Uncertain significance (1 of 4 stars; one submission).

gnomAD v4.1: 9 of 1,614,082 alleles (0.00056%); highest among the groups gnomAD compares: South Asian, 0.0066%; no homozygotes.

Submission:

Labcorp Genetics (formerly Invitae), Labcorp
Classification: Uncertain significance. Last evaluated: 2025-11-17. Review status: criteria provided, single submitter. Criteria: Invitae Variant Classification Sherloc (09022015). Collection method: clinical testing. Allele origin: germline.
Comment: This sequence change replaces cysteine, which is neutral and slightly polar, with tyrosine, which is neutral and polar, at codon 581 of the BACH2 protein (p.Cys581Tyr). This variant is present in population databases (rs749452994, gnomAD 0.003%). This variant has not been reported in the literature in individuals affected with BACH2-related conditions. Invitae Evidence Modeling of protein sequence and biophysical properties (such as structural, functional, and spatial information, amino acid conservation, physicochemical variation, residue mobility, and thermodynamic stability) has been performed for this missense variant. However, the output from this modeling did not meet the statistical confidence thresholds required to predict the impact of this variant on BACH2 protein function. In summary, the available evidence is currently insufficient to determine the role of this variant in disease. Therefore, it has been classified as a Variant of Uncertain Significance.

NM_021813.4(BACH2):c.1742G>A (p.Cys581Tyr)

Gene: BACH2 (BACH transcriptional regulator 2; minus strand). Cytogenetic location: 6q15.
Variant type: single nucleotide variant.
Coding change: c.1742G>A on transcript NM_021813.4 (MANE Select); coding-DNA position 1742, G replaced by A.
Protein change: p.Cys581Tyr; replaces cysteine 581 with tyrosine.
Molecular consequence: missense variant.
Genome position (GRCh38, 1-based): chr6:89,950,364, C>T on the plus strand (G>A on the coding strand, the complement: BACH2 is on the minus strand). VCF-style: chr6-89950364-C-T. GRCh37 (hg19) VCF-style: chr6-90660083-C-T.
Other names: c.1742G>A, p.Cys581Tyr (NM_001170794.2); short protein forms C581Y.
Identifiers: ClinVar variation 4751887 (VCV004751887.1).